The following is an entry in ClinVar:

ClinVar aggregate classification (germline): Likely pathogenic. Review status: reviewed by expert panel (3 of 4 stars). 3 submissions from 3 submitters: Likely pathogenic (1). 2 of the submissions do not count toward it. Last evaluated 2018-12-10.

Conditions:
Phenylketonuria (PKU). Also called: FOLLING DISEASE; OLIGOPHRENIA PHENYLPYRUVICA; Phenylketonurias; Phenylketonuria (PKU). Identifiers: Orphanet 716, MedGen C0031485, MONDO:0009861, OMIM 261600. Disease mechanism: loss of function.

Allele frequency attached by ClinVar (database versions not stated): gnomAD exomes below 0.00001.
gnomAD v4.1: 2 of 1,613,804 alleles (0.00012%); highest among the groups gnomAD compares: Non-Finnish European, 0.00017%; no homozygotes.

Submissions (3):

ClinGen PAH Variant Curation Expert Panel
Classification: Likely pathogenic for Phenylketonuria. Last evaluated: 2018-12-10. Review status: reviewed by expert panel. Criteria: ClinGen PAH ACMG Specifications v1. Collection method: curation. Allele origin: germline. Inheritance: Autosomal recessive inheritance.
Comment: Assessment of BH4 deficiencies not reported. It was detected with a known pathogenic variant, p.R408W. (PMID: 24350308) This variant is absent from ExAC, gnomAD, 1000G, and ESP. A deleterious effect is predicted in SIFT, Polyphen-2, and MutationTaster. In summary, this variant meets criteria to be classified as likely pathogenic for PAH. PAH-specific ACMG/AMP criteria applied: PM2, PM3, PP4, PP3.

Women's Health and Genetics/Laboratory Corporation of America, LabCorp
Classification: Uncertain significance. Last evaluated: 2026-05-14. Review status: criteria provided, single submitter. Criteria: LabCorp Variant Classification Summary - May 2015. Collection method: clinical testing. Allele origin: germline. Not counted in ClinVar's aggregate classification.
Comment: Variant summary: PAH c.110T>C (p.Leu37Pro) results in a non-conservative amino acid change in the encoded protein sequence. Algorithms developed to predict the effect of missense changes on protein structure and function all suggest that this variant is likely to be disruptive. The variant was absent in 251416 control chromosomes. The available data on variant occurrences in the general population are insufficient to allow any conclusion about variant significance. c.110T>C has been observed in the presumed compound heterozygous state in at least 1 individual(s) affected with Phenylalanine Hydroxylase Deficiency (Phenylketonuria) (Hillert_2020) and was reported with unclear zygosity in other studies (example, Bik-Multanowski_2013, Zhang_2013). These data do not allow any conclusion about variant significance. To our knowledge, no experimental evidence demonstrating an impact on protein function has been reported. The following publications have been ascertained in the context of this evaluation (PMID: 32668217, 24350308, 24078561). ClinVar contains an entry for this variant (Variation ID: 225133). Based on the evidence outlined above, the variant was classified as uncertain significance.

Department of Prenatal Diagnosis,  Women’s Hospital of Nanjing Medical University, Nanjing Women and Children’s Healthcare Hospital
Classification: Likely pathogenic for Phenylketonuria. Last evaluated: 2013-10-01. Review status: no assertion criteria provided. Collection method: clinical testing. Allele origin: maternal. Affected: yes. Observed: 1 variant allele, 1 heterozygote, 1 compound heterozygote. Not counted in ClinVar's aggregate classification.
Comment: This variant was reported to be a novel likely pathogenic mutation for the first time by us.

Literature cited by the submitters: PubMed 24350308 (cited by ClinGen PAH Variant Curation Expert Panel and Women's Health and Genetics/Laboratory Corporation of America, LabCorp); PubMed 24078561 (cited by 3 submitters); PubMed 32668217 (cited by Women's Health and Genetics/Laboratory Corporation of America, LabCorp).

NM_000277.3(PAH):c.110T>C (p.Leu37Pro)

Gene: PAH (phenylalanine hydroxylase; minus strand). Cytogenetic location: 12q23.2.
Variant type: single nucleotide variant.
Coding change: c.110T>C on transcript NM_000277.3 (MANE Select); coding-DNA position 110, T replaced by C.
Protein change: p.Leu37Pro; replaces leucine 37 with proline.
Molecular consequence: missense variant.
Genome position (GRCh38, 1-based): chr12:102,912,849, A>G on the plus strand (T>C on the coding strand, the complement: PAH is on the minus strand). VCF-style: chr12-102912849-A-G. GRCh37 (hg19) VCF-style: chr12-103306627-A-G.
Other names: NM_000277.2(PAH):c.110T>C; c.110T>C, p.Leu37Pro (NM_001354304.2); short protein forms L37P.
Identifiers: ClinVar variation 225133 (VCV000225133.3), dbSNP rs869312996, ClinGen allele CA357242.